The following is an entry in ClinVar:

NM_002755.4(MAP2K1):c.179_193del (p.Val60_Lys64del)

Gene: MAP2K1 (mitogen-activated protein kinase kinase 1; plus strand). Cytogenetic location: 15q22.31.
Variant type: Deletion.
Coding change: c.179_193del on transcript NM_002755.4 (MANE Select); coding-DNA positions 179 to 193, 15 bases deleted (TGGGAGAACTGAAGG).
Protein change: p.Val60_Lys64del.
Molecular consequence: inframe deletion.
Genome position (GRCh38, 1-based): chr15:66,435,125-66,435,139, TGGGAGAACTGAAGG deleted; deleting any 15 consecutive bases within chr15:66,435,120-66,435,139 gives the same sequence; the c. name uses the placement nearest the transcript's 3' end. VCF-style (leftmost placement, unchanged base first): chr15-66435119-AGAAGGTGGGAGAACT-A. GRCh37 (hg19) VCF-style: chr15-66727457-AGAAGGTGGGAGAACT-A.
Other names: c.179_193delTGGGAGAACTGAAGG (NM_002755.3).
Identifiers: ClinVar variation 372926 (VCV000372926.1), dbSNP rs1057518078, ClinGen allele CA16042952.
Genomic context (GRCh38, chr15:66,435,119, plus strand): 5'-AGGAGCTAGAGCTTGATGAGCAGCAGCGAAAGCGCCTTGAGGCCTTTCTTACCCAGAAGC[AGAAGGTGGGAGAACT>A]GAAGGATGACGACTTTGAGAAGATCAGTGAGCTGGGGGCTGGCAATGGCGGTGTGGTGTT-3'

ClinVar aggregate classification (germline): Likely pathogenic (1 of 4 stars; one submission).

Submission:

GeneDx
Classification: Likely pathogenic. Last evaluated: 2016-03-08. Review status: criteria provided, single submitter. Criteria: GeneDx Variant Classification (06012015). Collection method: clinical testing. Allele origin: germline. Affected: yes.
Comment: The c.179_193delTGGGAGAACTGAAGG variant in the MAP2K1 gene have been reported previously as pathogenic variant, or as a benign variant, to our knowledge.The variant was observed in approximately 6500 individuals of European and African American ancestry in the NHLBI Exome Sequencing Project, indicating they are not common benign variants in these populations. The c.179_193del15 variant is an in-frame deletion of five amino acid residues, denoted p.Val60_Lys64del. These residues spanning p.Val60 to p.Asp66 are conserved across species. A germline point mutation (p.V60G) in this region and other nearby variants (p.K59del, p.D67N) have been reported in the Human Gene Mutation Database in association with CFC syndrome (Stenson et al., 2014), supporting the functional importance of this region of the protein. In addition, multiple similar in-frame deletions in somatic cell tumors in the MAP2K1 gene have been reported in an external variant database in association with lymphoid neoplasms (Forbes et al., 2015). The heterozygous de novo presence of c.179_193del15 is interpreted as likely pathogenic, which may be related to failure to thrive, developmental delay, hypotonia, hemangiomas, and pectus excavatum.